The following is an entry in ClinVar:

NM_201384.3(PLEC):c.378T>G (p.Ala126=)

Gene: PLEC (plectin; minus strand). Cytogenetic location: 8q24.3.
Variant type: single nucleotide variant.
Coding change: c.378T>G on transcript NM_201384.3 (MANE Select); coding-DNA position 378, T replaced by G.
Protein change: p.Ala126=; no amino-acid change (alanine 126 retained).
Molecular consequence: synonymous variant.
Genome position (GRCh38, 1-based): chr8:143,937,036, A>C on the plus strand (T>G on the coding strand, the complement: PLEC is on the minus strand). VCF-style: chr8-143937036-A-C. GRCh37 (hg19) VCF-style: chr8-145011204-A-C.
Other names: p.Ala112=; c.459T>G, p.Ala153= (NM_000445.5); c.336T>G, p.Ala112= (NM_201378.4); c.312T>G, p.Ala104= (NM_201379.3); c.789T>G, p.Ala263= (NM_201380.4); c.282T>G, p.Ala94= (NM_201381.3); c.378T>G, p.Ala126= (NM_201382.4); c.390T>G, p.Ala130= (NM_201383.3).
Identifiers: ClinVar variation 198084 (VCV000198084.54), dbSNP rs6993938, ClinGen allele CA203230.

ClinVar aggregate classification (germline): Benign/Likely benign. Review status: criteria provided, multiple submitters, no conflicts (2 of 4 stars). 12 submissions from 12 submitters: Benign (3); Likely benign (5). 4 of the submissions do not count toward it. Last evaluated 2026-09-01.

Conditions:
PLEC-related disorder. Also called: PLEC-related condition; PLEC-related disorders.
Epidermolysis bullosa simplex 5B, with muscular dystrophy (EBS5B). Also called: Epidermolysis bullosa simplex with muscular dystrophy; EPIDERMOLYSIS BULLOSA SIMPLEX AND LIMB-GIRDLE MUSCULAR DYSTROPHY. Identifiers: Orphanet 257, MedGen C2931072, MONDO:0009181, OMIM 226670.
Epidermolysis bullosa simplex with nail dystrophy (EBS5D). Identifiers: MedGen C4225309, MONDO:0014661, OMIM 616487.
Autosomal recessive limb-girdle muscular dystrophy type 2Q (LGMDR17). Also called: MUSCULAR DYSTROPHY, LIMB-GIRDLE, AUTOSOMAL RECESSIVE 17. Identifiers: Orphanet 254361, MedGen C3150989, MONDO:0013390, OMIM 613723.
Epidermolysis bullosa simplex 5C, with pyloric atresia (EBS5C). Also called: PLEC-Related Epidermolysis Bullosa with Pyloric Atresia; PLEC1-Related Epidermolysis Bullosa with Pyloric Atresia; Epidermolysis bullosa simplex with pyloric atresia. Identifiers: Orphanet 158684, MedGen C2677349, MONDO:0012807, OMIM 612138.
Epidermolysis bullosa simplex, Ogna type (EBS5A). Also called: Pidermolysis bullosa simplex 5A, Ogna type; EPIDERMOLYSIS BULLOSA SIMPLEX 5A, OGNA TYPE. Identifiers: Orphanet 79401, MedGen C0432317, MONDO:0007555, OMIM 131950.

Allele frequency attached by ClinVar (database versions not stated): 1000 Genomes Project 30x 0.00047.
gnomAD v4.1: 6,777 of 1,612,786 alleles (0.42%); highest among the groups gnomAD compares: Non-Finnish European, 0.54%; 21 homozygotes.

Submissions (12):

CeGaT Center for Human Genetics Tuebingen
Classification: Likely benign. Last evaluated: 2026-09-01. Review status: criteria provided, single submitter. Criteria: CeGaT Center For Human Genetics Tuebingen Variant Classification Criteria Version 2. Collection method: clinical testing. Allele origin: germline. Affected: yes. Observed: 16 variant alleles.
Comment: PLEC: BP4, BP7, BS2

Labcorp Genetics (formerly Invitae), Labcorp
Classification: Benign for Autosomal recessive limb-girdle muscular dystrophy type 2Q; Epidermolysis bullosa simplex, Ogna type; Epidermolysis bullosa simplex with nail dystrophy; Epidermolysis bullosa simplex 5C, with pyloric atresia; Epidermolysis bullosa simplex 5B, with muscular dystrophy. Last evaluated: 2026-02-02. Review status: criteria provided, single submitter. Criteria: Invitae Variant Classification Sherloc (09022015). Collection method: clinical testing. Allele origin: germline.

Blueprint Genetics
Classification: Likely benign. Last evaluated: 2024-11-14. Review status: criteria provided, single submitter. Criteria: ACMG Guidelines, 2015. Collection method: clinical testing. Allele origin: germline.

Mayo Clinic Laboratories, Mayo Clinic
Classification: Likely benign. Last evaluated: 2024-11-04. Review status: criteria provided, single submitter. Criteria: ACMG Guidelines, 2015. Collection method: clinical testing. Allele origin: germline. Observed: 11 variant alleles.
Comment: BS1, BP4, BP7

Athena Diagnostics
Classification: Benign. Last evaluated: 2024-08-29. Review status: criteria provided, single submitter. Criteria: Athena Diagnostics Criteria. Collection method: clinical testing. Allele origin: unknown.

GeneDx
Classification: Likely benign. Last evaluated: 2020-10-07. Review status: criteria provided, single submitter. Criteria: GeneDx Variant Classification Process June 2021. Collection method: clinical testing. Allele origin: germline. Affected: yes.

Genetic Services Laboratory, University of Chicago
Classification: Likely benign. Last evaluated: 2019-08-15. Review status: criteria provided, single submitter. Criteria: ACMG Guidelines, 2015. Collection method: clinical testing. Allele origin: germline. Affected: no.

Eurofins Ntd Llc (ga)
Classification: Benign. Last evaluated: 2015-07-01. Review status: criteria provided, single submitter. Criteria: EGL Classification Definitions 2015. Collection method: clinical testing. Allele origin: germline. Observed: 2 variant alleles, 2 heterozygotes.

PreventionGenetics, part of Exact Sciences
Classification: Benign for PLEC-related condition. Last evaluated: 2021-11-23. Review status: no assertion criteria provided. Collection method: clinical testing. Allele origin: germline. Not counted in ClinVar's aggregate classification.
Comment: This variant is classified as benign based on ACMG/AMP sequence variant interpretation guidelines (Richards et al. 2015 PMID: 25741868, with internal and published modifications).

Clinical Genetics DNA and cytogenetics Diagnostics Lab, Erasmus MC, Erasmus Medical Center
Classification: Likely benign. Review status: no assertion criteria provided. Collection method: clinical testing. Allele origin: germline. Affected: yes. Study: VKGL Data-share Consensus. Not counted in ClinVar's aggregate classification.

Diagnostic Laboratory, Department of Genetics, University Medical Center Groningen
Classification: Benign. Review status: no assertion criteria provided. Collection method: clinical testing. Allele origin: germline. Affected: yes. Study: VKGL Data-share Consensus. Not counted in ClinVar's aggregate classification.

Genome Diagnostics Laboratory, University Medical Center Utrecht
Classification: Likely benign. Review status: no assertion criteria provided. Collection method: clinical testing. Allele origin: germline. Affected: yes. Study: VKGL Data-share Consensus. Not counted in ClinVar's aggregate classification.